The following is an entry in ClinVar:

NM_000452.3(SLC10A2):c.868C>A (p.Pro290Thr)

Gene: SLC10A2 (solute carrier family 10 member 2; minus strand). Cytogenetic location: 13q33.1.
Variant type: single nucleotide variant.
Coding change: c.868C>A on transcript NM_000452.3 (MANE Select); coding-DNA position 868, C replaced by A.
Protein change: p.Pro290Thr; replaces proline 290 with threonine.
Molecular consequence: missense variant.
Genome position (GRCh38, 1-based): chr13:103,049,340, G>T on the plus strand (C>A on the coding strand, the complement: SLC10A2 is on the minus strand). VCF-style: chr13-103049340-G-T. GRCh37 (hg19) VCF-style: chr13-103701690-G-T.
Other names: short protein forms P290T.
Identifiers: ClinVar variation 2143607 (VCV002143607.4), dbSNP rs56398830, ClinGen allele CA388605776.
Genomic context (GRCh38, chr13:103,049,340, plus strand): 5'-ATTCCTTACATCCTAAGAATATTGCGGCAAAGGCGAGCTGGAAAATGCTGTAGATGAGCG[G>T]GAAGGTGAATACGACATTGAGCTCCTCAGGAGTGAAGGAGAGCTGAACGATGGTGGAACA-3'
Protein context (NP_000443.2, residues 280-300): PEELNVVFTF[Pro290Thr]LIYSIFQLAF

ClinVar aggregate classification (germline): Uncertain significance (1 of 4 stars; one submission).

gnomAD v4.1: 9 of 1,613,896 alleles (0.00056%); highest among the groups gnomAD compares: Middle Eastern, 0.016%; no homozygotes.

Submission:

Labcorp Genetics (formerly Invitae), Labcorp
Classification: Uncertain significance. Last evaluated: 2024-06-13. Review status: criteria provided, single submitter. Criteria: Invitae Variant Classification Sherloc (09022015). Collection method: clinical testing. Allele origin: germline.
Comment: This sequence change replaces proline, which is neutral and non-polar, with threonine, which is neutral and polar, at codon 290 of the SLC10A2 protein (p.Pro290Thr). This variant is present in population databases (no rsID available, gnomAD 0.06%). This variant has not been reported in the literature in individuals affected with SLC10A2-related conditions. Advanced modeling of protein sequence and biophysical properties (such as structural, functional, and spatial information, amino acid conservation, physicochemical variation, residue mobility, and thermodynamic stability) has been performed at Invitae for this missense variant, however the output from this modeling did not meet the statistical confidence thresholds required to predict the impact of this variant on SLC10A2 protein function. In summary, the available evidence is currently insufficient to determine the role of this variant in disease. Therefore, it has been classified as a Variant of Uncertain Significance.